The following is an entry in ClinVar:

NM_001853.4(COL9A3):c.1625C>T (p.Ala542Val)

Gene: COL9A3 (collagen type IX alpha 3 chain; plus strand). Cytogenetic location: 20q13.33.
Variant type: single nucleotide variant.
Coding change: c.1625C>T on transcript NM_001853.4 (MANE Select); coding-DNA position 1625, C replaced by T.
Protein change: p.Ala542Val; replaces alanine 542 with valine.
Molecular consequence: missense variant.
Genome position (GRCh38, 1-based): chr20:62,837,104, C>T. VCF-style: chr20-62837104-C-T. GRCh37 (hg19) VCF-style: chr20-61468456-C-T.
Other names: c.1625C>T (NM_001853.3); short protein forms A542V.
Identifiers: ClinVar variation 2196320 (VCV002196320.9), dbSNP rs753247678, ClinGen allele CA9950124.

ClinVar aggregate classification (germline): Uncertain significance. Review status: criteria provided, multiple submitters, no conflicts (2 of 4 stars). 4 submissions from 4 submitters: Uncertain significance (4). Last evaluated 2025-10-27.

Conditions:
Inborn genetic diseases. Identifiers: MedGen C0950123, MeSH D030342.

Allele frequency attached by ClinVar (database versions not stated): ExAC 0.00001; gnomAD 0.00003.
gnomAD v4.1: 42 of 1,613,366 alleles (0.0026%); highest among the groups gnomAD compares: East Asian, 0.0067%; no homozygotes.

Submissions (4):

Labcorp Genetics (formerly Invitae), Labcorp
Classification: Uncertain significance. Last evaluated: 2025-10-27. Review status: criteria provided, single submitter. Criteria: Invitae Variant Classification Sherloc (09022015). Collection method: clinical testing. Allele origin: germline.
Comment: This sequence change replaces alanine, which is neutral and non-polar, with valine, which is neutral and non-polar, at codon 542 of the COL9A3 protein (p.Ala542Val). This variant is present in population databases (rs753247678, gnomAD 0.02%). This variant has not been reported in the literature in individuals affected with COL9A3-related conditions. ClinVar contains an entry for this variant (Variation ID: 2196320). Invitae Evidence Modeling of protein sequence and biophysical properties (such as structural, functional, and spatial information, amino acid conservation, physicochemical variation, residue mobility, and thermodynamic stability) indicates that this missense variant is not expected to disrupt COL9A3 protein function with a negative predictive value of 95%. In summary, the available evidence is currently insufficient to determine the role of this variant in disease. Therefore, it has been classified as a Variant of Uncertain Significance.

Ambry Genetics
Classification: Uncertain significance for Inborn genetic diseases. Last evaluated: 2025-09-26. Review status: criteria provided, single submitter. Criteria: Ambry Variant Classification Scheme 2023. Collection method: clinical testing. Allele origin: germline.

Blueprint Genetics
Classification: Uncertain significance. Last evaluated: 2024-11-27. Review status: criteria provided, single submitter. Criteria: ACMG Guidelines, 2015. Collection method: clinical testing. Allele origin: germline.

GeneDx
Classification: Uncertain significance. Last evaluated: 2023-03-23. Review status: criteria provided, single submitter. Criteria: GeneDx Variant Classification Process June 2021. Collection method: clinical testing. Allele origin: germline. Affected: yes.
Comment: In silico analysis supports that this missense variant does not alter protein structure/function; Has not been previously published as pathogenic or benign to our knowledge